The following is an entry in ClinVar:

NM_000059.4(BRCA2):c.1237del (p.Leu413fs)

Gene: BRCA2 (BRCA2 DNA repair associated; plus strand). Cytogenetic location: 13q13.1.
Variant type: Deletion.
Coding change: c.1237del on transcript NM_000059.4 (MANE Select); coding-DNA position 1237, one base deleted (C; older notation c.1237delC).
Protein change: p.Leu413fs; shifts the reading frame from leucine 413.
Molecular consequence: frameshift variant.
Genome position (GRCh38, 1-based): chr13:32,332,715, C deleted; the last of 4 consecutive C bases (chr13:32,332,712-32,332,715); deleting any one gives the same sequence. VCF-style (leftmost placement, unchanged base first): chr13-32332711-AC-A. GRCh37 (hg19) VCF-style: chr13-32906848-AC-A.
Other names: 1465delC; c.1237delC (NM_000059.3).
Identifiers: ClinVar variation 266618 (VCV000266618.14), dbSNP rs886040351, ClinGen allele CA10589079.

ClinVar aggregate classification (germline): Pathogenic. Review status: reviewed by expert panel (3 of 4 stars). 4 submissions from 4 submitters: Pathogenic (1). 3 of the submissions do not count toward it. Last evaluated 2016-10-18.

Conditions:
Hereditary cancer-predisposing syndrome. Also called: Tumor predisposition; Neoplastic Syndromes, Hereditary; Hereditary neoplastic syndrome; Hereditary Cancer Syndrome. Identifiers: Orphanet 140162, MedGen C0027672, MeSH D009386, MONDO:0015356.
Breast-ovarian cancer, familial, susceptibility to, 2 (BROVCA2). Also called: BRCA2 Hereditary Breast and Ovarian Cancer. Identifiers: Orphanet 145, MedGen C2675520, MONDO:0012933, OMIM 612555. Disease mechanism: loss of function.

Submissions (4):

Evidence-based Network for the Interpretation of Germline Mutant Alleles (ENIGMA)
Classification: Pathogenic for Breast-ovarian cancer, familial, susceptibility to, 2. Last evaluated: 2016-10-18. Review status: reviewed by expert panel. Criteria: ENIGMA BRCA1/2 Classification Criteria (2015). Collection method: curation. Allele origin: germline.
Comment: Variant allele predicted to encode a truncated non-functional protein.

Ambry Genetics
Classification: Pathogenic for Hereditary cancer-predisposing syndrome. Last evaluated: 2022-06-15. Review status: criteria provided, single submitter. Criteria: Ambry Variant Classification Scheme 2023. Collection method: clinical testing. Allele origin: germline. Not counted in ClinVar's aggregate classification.
Comment: The c.1237delC pathogenic mutation, located in coding exon 9 of the BRCA2 gene, results from a deletion of one nucleotide at nucleotide position 1237, causing a translational frameshift with a predicted alternate stop codon. This variant is considered to be rare based on population cohorts in the Genome Aggregation Database (gnomAD). This alteration is expected to result in loss of function by premature protein truncation or nonsense-mediated mRNA decay. As such, this alteration is interpreted as a disease-causing mutation.

Color Diagnostics, LLC DBA Color Health
Classification: Pathogenic for Hereditary cancer-predisposing syndrome. Last evaluated: 2020-01-15. Review status: criteria provided, single submitter. Criteria: ACMG Guidelines, 2015. Collection method: clinical testing. Allele origin: germline. Not counted in ClinVar's aggregate classification.
Comment: This variant deletes 1 nucleotide in exon 10 of the BRCA2 gene, creating a frameshift and premature translation stop signal. This variant is expected to result in an absent or non-functional protein product. This variant has not been identified in the general population by the Genome Aggregation Database (gnomAD). Loss of BRCA2 function is a known mechanism of disease. Based on the available evidence, this variant is classified as Pathogenic.

Consortium of Investigators of Modifiers of BRCA1/2 (CIMBA), c/o University of Cambridge
Classification: Pathogenic for Breast-ovarian cancer, familial, susceptibility to, 2. Last evaluated: 2015-10-02. Review status: criteria provided, single submitter. Criteria: CIMBA Mutation Classification guidelines May 2016. Collection method: clinical testing. Allele origin: germline. Not counted in ClinVar's aggregate classification.